The following is an entry in ClinVar:

NM_000238.4(KCNH2):c.1423T>A (p.Tyr475Asn)

Gene: KCNH2 (potassium voltage-gated channel subfamily H member 2; minus strand). Cytogenetic location: 7q36.1.
Variant type: single nucleotide variant.
Coding change: c.1423T>A on transcript NM_000238.4 (MANE Select); coding-DNA position 1423, T replaced by A.
Protein change: p.Tyr475Asn; replaces tyrosine 475 with asparagine.
Molecular consequence: missense variant.
Genome position (GRCh38, 1-based): chr7:150,952,559, A>T on the plus strand (T>A on the coding strand, the complement: KCNH2 is on the minus strand). VCF-style: chr7-150952559-A-T. GRCh37 (hg19) VCF-style: chr7-150649647-A-T.
Other names: c.403T>A, p.Tyr135Asn (NM_001204798.2, NM_172057.3); c.1135T>A, p.Tyr379Asn (NM_001406753.1, NM_001406756.1); c.1246T>A, p.Tyr416Asn (NM_001406755.1); c.1123T>A, p.Tyr375Asn (NM_001406757.1); c.1423T>A, p.Tyr475Asn (NM_172056.3); short protein forms Y135N, Y375N, Y475N, Y379N, Y416N.
Identifiers: ClinVar variation 2046018 (VCV002046018.4), dbSNP rs2486047201, ClinGen allele CA369859788.
Genomic context (GRCh38, chr7:150,952,559, plus strand): 5'-TGAAGTAGTGGACGGCGATGCGGCCGGGGTGGCTGACCACCTCCTCGTTGGCATTGACGT[A>T]GGTGGTGCGGAAGTTGATGAGGATGTCCACAATGAACATGATGTCCACGATGAGGTCCAC-3'
Protein context (NP_000229.1, residues 465-485): VDILINFRTT[Tyr475Asn]VNANEEVVSH

ClinVar aggregate classification (germline): Uncertain significance (1 of 4 stars; one submission).

Conditions:
Long QT syndrome (LQTS). Identifiers: MedGen C0023976, MeSH D008133, MONDO:0002442. Disease mechanism: loss of function. Inheritance: Various modes of inheritance.

Submission:

Labcorp Genetics (formerly Invitae), Labcorp
Classification: Uncertain significance for Long QT syndrome. Last evaluated: 2021-12-18. Review status: criteria provided, single submitter. Criteria: Invitae Variant Classification Sherloc (09022015). Collection method: clinical testing. Allele origin: germline.
Comment: This sequence change replaces tyrosine, which is neutral and polar, with asparagine, which is neutral and polar, at codon 475 of the KCNH2 protein (p.Tyr475Asn). This variant is not present in population databases (gnomAD no frequency). This missense change has been observed in individual(s) with clinical features of long QT syndrome (Invitae). Algorithms developed to predict the effect of missense changes on protein structure and function (SIFT, PolyPhen-2, Align-GVGD) all suggest that this variant is likely to be disruptive. This variant disrupts the p.Tyr475 amino acid residue in KCNH2. Other variant(s) that disrupt this residue have been observed in individuals with KCNH2-related conditions (PMID: 16831322; Invitae), which suggests that this may be a clinically significant amino acid residue. In summary, the available evidence is currently insufficient to determine the role of this variant in disease. Therefore, it has been classified as a Variant of Uncertain Significance.

Literature cited by the submitters: PubMed 16831322.